The following is an entry in ClinVar:

NM_000179.3(MSH6):c.8G>A (p.Arg3Gln)

Gene: MSH6 (mutS homolog 6; plus strand). Cytogenetic location: 2p16.3.
Variant type: single nucleotide variant.
Coding change: c.8G>A on transcript NM_000179.3 (MANE Select); coding-DNA position 8, G replaced by A.
Protein change: p.Arg3Gln; replaces arginine 3 with glutamine.
Molecular consequence: missense variant. On other transcripts: 5 prime UTR variant (1).
Genome position (GRCh38, 1-based): chr2:47,783,241, G>A. VCF-style: chr2-47783241-G-A. GRCh37 (hg19) VCF-style: chr2-48010380-G-A.
Other names: c.8G>A, p.Arg3Gln (NM_001281492.2); c.-729G>A (NM_001281493.2); short protein forms R3Q.
Identifiers: ClinVar variation 862542 (VCV000862542.19), dbSNP rs1553408078, ClinGen allele CA346734471.

ClinVar aggregate classification (germline): Uncertain significance. Review status: criteria provided, multiple submitters, no conflicts (2 of 4 stars). 4 submissions from 4 submitters: Uncertain significance (4). Last evaluated 2025-10-23.

Conditions:
Hereditary nonpolyposis colorectal neoplasms. Identifiers: MedGen C0009405, MeSH D003123.
Hereditary cancer-predisposing syndrome. Also called: Neoplastic Syndromes, Hereditary; Tumor predisposition; Hereditary Cancer Syndrome; Hereditary neoplastic syndrome. Identifiers: Orphanet 140162, MedGen C0027672, MeSH D009386, MONDO:0015356.

Submissions (4):

Ambry Genetics
Classification: Uncertain significance for Hereditary cancer-predisposing syndrome. Last evaluated: 2025-10-23. Review status: criteria provided, single submitter. Criteria: Ambry Variant Classification Scheme 2023. Collection method: clinical testing. Allele origin: germline.
Comment: The p.R3Q variant (also known as c.8G>A), located in coding exon 1 of the MSH6 gene, results from a G to A substitution at nucleotide position 8. The arginine at codon 3 is replaced by glutamine, an amino acid with highly similar properties. This amino acid position is well conserved in available vertebrate species. In addition, the in silico prediction for this alteration is inconclusive. Since supporting evidence is limited at this time, the clinical significance of this alteration remains unclear.

Labcorp Genetics (formerly Invitae), Labcorp
Classification: Uncertain significance for Hereditary nonpolyposis colorectal neoplasms. Last evaluated: 2025-08-07. Review status: criteria provided, single submitter. Criteria: Invitae Variant Classification Sherloc (09022015). Collection method: clinical testing. Allele origin: germline.
Comment: This sequence change replaces arginine, which is basic and polar, with glutamine, which is neutral and polar, at codon 3 of the MSH6 protein (p.Arg3Gln). This variant is not present in population databases (gnomAD no frequency). This variant has not been reported in the literature in individuals affected with MSH6-related conditions. ClinVar contains an entry for this variant (Variation ID: 862542). Invitae Evidence Modeling of protein sequence and biophysical properties (such as structural, functional, and spatial information, amino acid conservation, physicochemical variation, residue mobility, and thermodynamic stability) indicates that this missense variant is not expected to disrupt MSH6 protein function with a negative predictive value of 95%. In summary, the available evidence is currently insufficient to determine the role of this variant in disease. Therefore, it has been classified as a Variant of Uncertain Significance.

Color Diagnostics, LLC DBA Color Health
Classification: Uncertain significance for Hereditary cancer-predisposing syndrome. Last evaluated: 2023-06-20. Review status: criteria provided, single submitter. Criteria: ACMG Guidelines, 2015. Collection method: clinical testing. Allele origin: germline.
Comment: This missense variant replaces arginine with glutamine at codon 3 of the MSH6 protein. Computational prediction suggests that this variant may not impact protein structure and function (internally defined REVEL score threshold <= 0.5, PMID: 27666373). To our knowledge, functional studies have not been reported for this variant. This variant has not been reported in individuals affected with MSH6-related disorders in the literature. This variant has not been identified in the general population by the Genome Aggregation Database (gnomAD). The available evidence is insufficient to determine the role of this variant in disease conclusively. Therefore, this variant is classified as a Variant of Uncertain Significance.

Blueprint Genetics
Classification: Uncertain significance. Last evaluated: 2022-03-31. Review status: criteria provided, single submitter. Criteria: ACMG Guidelines, 2015. Collection method: clinical testing. Allele origin: germline.